The following is an entry in ClinVar:

ClinVar aggregate classification (germline): Pathogenic (1 of 4 stars; one submission).

Submission:

GeneDx
Classification: Pathogenic. Last evaluated: 2025-03-04. Review status: criteria provided, single submitter. Criteria: GeneDx Variant Classification Process June 2021. Collection method: clinical testing. Allele origin: germline. Affected: yes.
Comment: Published functional studies suggest a damaging effect on neuronal action potential firing in excitatory and inhibitory neurons (PMID: 38251463); Not observed at significant frequency in large population cohorts (gnomAD); In silico analysis supports that this missense variant has a deleterious effect on protein structure/function; This substitution is predicted to be within the transmembrane segment S1 of the third homologous domain; This variant is associated with the following publications: (PMID: 32090326, 30968951, 38251463)

NM_001330260.2(SCN8A):c.3601G>A (p.Glu1201Lys)

Gene: SCN8A (sodium voltage-gated channel alpha subunit 8; plus strand). Cytogenetic location: 12q13.13.
Variant type: single nucleotide variant.
Coding change: c.3601G>A on transcript NM_001330260.2 (MANE Select); coding-DNA position 3601, G replaced by A.
Protein change: p.Glu1201Lys; replaces glutamic acid 1201 with lysine.
Molecular consequence: missense variant.
Genome position (GRCh38, 1-based): chr12:51,770,639, G>A. VCF-style: chr12-51770639-G-A. GRCh37 (hg19) VCF-style: chr12-52164423-G-A.
Other names: c.3601G>A, p.Glu1201Lys (NM_001177984.3, NM_001369788.1, NM_014191.4); short protein forms E1201K.
Identifiers: ClinVar variation 4083413 (VCV004083413.1).